The following is an entry in ClinVar:

NM_000297.4(PKD2):c.2549A>G (p.Glu850Gly)

Gene: PKD2 (polycystin 2, transient receptor potential cation channel; plus strand). Cytogenetic location: 4q22.1.
Variant type: single nucleotide variant.
Coding change: c.2549A>G on transcript NM_000297.4 (MANE Select); coding-DNA position 2549, A replaced by G.
Protein change: p.Glu850Gly; replaces glutamic acid 850 with glycine.
Molecular consequence: missense variant. On other transcripts: non-coding transcript variant (1).
Genome position (GRCh38, 1-based): chr4:88,074,838, A>G. VCF-style: chr4-88074838-A-G. GRCh37 (hg19) VCF-style: chr4-88995990-A-G.
Other names: short protein forms E850G.
Identifiers: ClinVar variation 930763 (VCV000930763.3), dbSNP rs1721172803, ClinGen allele CA357627548.

ClinVar aggregate classification (germline): Uncertain significance (1 of 4 stars; one submission).

Conditions:
Polycystic kidney disease 2 (PKD2). Also called: POLYCYSTIC KIDNEY DISEASE, ADULT, TYPE II; Polycystic Kidney Disease 2, Autosomal Dominant; POLYCYSTIC KIDNEY DISEASE 2 WITH OR WITHOUT POLYCYSTIC LIVER DISEASE. Identifiers: MedGen C2751306, MONDO:0013131, OMIM 613095.

Allele frequency attached by ClinVar (database versions not stated): gnomAD exomes below 0.00001.
gnomAD v4.1: 1 of 1,614,072 alleles (0.000062%); highest among the groups gnomAD compares: Non-Finnish European, 0.000085%; no homozygotes.

Submission:

Centre for Mendelian Genomics, University Medical Centre Ljubljana
Classification: Uncertain significance for Polycystic kidney disease 2. Last evaluated: 2019-09-09. Review status: criteria provided, single submitter. Criteria: ACMG Guidelines, 2015. Collection method: clinical testing. Allele origin: unknown. Affected: yes.
Comment: This variant was classified as: Uncertain significance. The available evidence on this variant's pathogenicity is insufficient or conflicting. The following ACMG criteria were applied in classifying this variant: PM2,PP3.